The following is an entry in ClinVar:

ClinVar aggregate classification (germline): Likely benign. Review status: criteria provided, multiple submitters, no conflicts (2 of 4 stars). 4 submissions from 4 submitters: Likely benign (3). 1 of the submissions does not count toward it. Last evaluated 2025-07-28.

Conditions:
EP300-related disorder. Also called: EP300-related disorders; EP300-related condition.
Rubinstein-Taybi syndrome due to EP300 haploinsufficiency. Also called: EP300-Related Rubinstein-Taybi Syndrome; RUBINSTEIN-TAYBI SYNDROME 2. Identifiers: Orphanet 353284, Orphanet 783, MedGen C3150941, MONDO:0013364, OMIM 613684.
Inborn genetic diseases. Identifiers: MedGen C0950123, MeSH D030342.

Allele frequency attached by ClinVar (database versions not stated): gnomAD 0.00006; TOPMed 0.00006; gnomAD exomes 0.00007 and 0.00008; ExAC 0.00012.
gnomAD v4.1: 114 of 1,614,174 alleles (0.0071%); highest among the groups gnomAD compares: Admixed American, 0.032%; no homozygotes.

Submissions (4):

Labcorp Genetics (formerly Invitae), Labcorp
Classification: Likely benign for Rubinstein-Taybi syndrome due to EP300 haploinsufficiency. Last evaluated: 2025-07-28. Review status: criteria provided, single submitter. Criteria: Invitae Variant Classification Sherloc (09022015). Collection method: clinical testing. Allele origin: germline.

Ambry Genetics
Classification: Likely benign for Inborn genetic diseases. Last evaluated: 2022-02-18. Review status: criteria provided, single submitter. Criteria: Ambry Variant Classification Scheme 2023. Collection method: clinical testing. Allele origin: germline.

GeneDx
Classification: Likely benign. Last evaluated: 2021-11-11. Review status: criteria provided, single submitter. Criteria: GeneDx Variant Classification Process June 2021. Collection method: clinical testing. Allele origin: germline. Affected: yes.
Comment: See Variant Classification Assertion Criteria.

PreventionGenetics, part of Exact Sciences
Classification: Likely benign for EP300-related condition. Last evaluated: 2022-06-28. Review status: no assertion criteria provided. Collection method: clinical testing. Allele origin: germline. Not counted in ClinVar's aggregate classification.
Comment: This variant is classified as likely benign based on ACMG/AMP sequence variant interpretation guidelines (Richards et al. 2015 PMID: 25741868, with internal and published modifications).

NM_001429.4(EP300):c.3377A>G (p.Asn1126Ser)

Gene: EP300 (EP300 lysine acetyltransferase; plus strand). Cytogenetic location: 22q13.2.
Variant type: single nucleotide variant.
Coding change: c.3377A>G on transcript NM_001429.4 (MANE Select); coding-DNA position 3377, A replaced by G.
Protein change: p.Asn1126Ser; replaces asparagine 1126 with serine.
Molecular consequence: missense variant.
Genome position (GRCh38, 1-based): chr22:41,157,284, A>G. VCF-style: chr22-41157284-A-G. GRCh37 (hg19) VCF-style: chr22-41553288-A-G.
Other names: c.3299A>G, p.Asn1100Ser (NM_001362843.2); short protein forms N1100S, N1126S.
Identifiers: ClinVar variation 1686726 (VCV001686726.10), dbSNP rs777847755, ClinGen allele CA10253114.